The following is an entry in ClinVar:

ClinVar aggregate classification (germline): Pathogenic. Review status: criteria provided, multiple submitters, no conflicts (2 of 4 stars). 7 submissions from 7 submitters: Pathogenic (3). 4 of the submissions do not count toward it. Last evaluated 2025-01-29.

Conditions:
F8-related disorder. Also called: F8-related condition.
Hereditary factor IX deficiency disease (HEMB). Also called: Christmas Disease; F9 DEFICIENCY; FACTOR IX DEFICIENCY; Hemophilia B; PLASMA THROMBOPLASTIN COMPONENT DEFICIENCY. Identifiers: Orphanet 98879, MedGen C0008533, MeSH D002836, MONDO:0010604, OMIM 306900.
Hereditary factor VIII deficiency disease (HEMA). Also called: HEMOPHILIA, CLASSIC; Hemophilia A; Hemophilia A, congenital; HEM A; Factor 8 deficiency, congenital; AUTOSOMAL HEMOPHILIA A. Identifiers: Orphanet 98878, MedGen C0019069, MONDO:0010602, OMIM 306700.

Allele frequency attached by ClinVar (database versions not stated): gnomAD exomes below 0.00001; TOPMed 0.00005.
gnomAD v4.1: 1 of 1,211,947 alleles (0.000083%); highest among the groups gnomAD compares: Non-Finnish European, 0.00011%; no homozygotes.

Submissions (7):

Women's Health and Genetics/Laboratory Corporation of America, LabCorp
Classification: Pathogenic for Hereditary factor VIII deficiency disease. Last evaluated: 2025-01-29. Review status: criteria provided, single submitter. Criteria: LabCorp Variant Classification Summary - May 2015. Collection method: clinical testing. Allele origin: germline.
Comment: Variant summary: F8 c.541G>A (p.Val181Met) results in a conservative amino acid change located in the multicopper oxidase domian (IPR011707) of the encoded protein sequence. Three of five in-silico tools predict a damaging effect of the variant on protein function. The variant was absent in 183441 control chromosomes. c.541G>A has been reported in the literature in multiple individuals affected with Factor VIII Deficiency (Hemophilia A) (e.g., Diamond_1992, Downes_2019, Green_2008). These data indicate that the variant is very likely to be associated with disease. The following publications have been ascertained in the context of this evaluation (PMID: 1301932, 31064749, 18691168). ClinVar contains an entry for this variant (Variation ID: 10177). Based on the evidence outlined above, the variant was classified as pathogenic.

PreventionGenetics, part of Exact Sciences
Classification: Pathogenic for F8-related condition. Last evaluated: 2022-12-05. Review status: criteria provided, single submitter. Criteria: ACMG Guidelines, 2015. Collection method: clinical testing. Allele origin: germline.
Comment: The F8 c.541G>A variant is predicted to result in the amino acid substitution p.Val181Met. This variant is also described using legacy nomenclature as p.Val162Met and has been reported in patients with hemophilia A (Diamond et al. 1992. PubMed ID: 1301932; Downes et al. 2019. PubMed ID: 31064749. Table S3; Green et al. 2008. PubMed ID: 18691168. Table S1; F8 database). This variant has not been reported in a large population database, indicating this variant is rare. This variant is interpreted as pathogenic.

NIHR Bioresource Rare Diseases, University of Cambridge
Classification: Pathogenic for Hereditary factor IX deficiency disease. Last evaluated: 2019-02-01. Review status: criteria provided, single submitter. Criteria: ACMG Guidelines, 2015. Collection method: research. Allele origin: unknown. Affected: yes. Observed: 3 hemizygotes. Study: ThromboGenomics.

OMIM
Classification: Pathogenic for HEMOPHILIA A. Last evaluated: 1992-01-01. Review status: no assertion criteria provided. Collection method: literature only. Allele origin: germline. Not counted in ClinVar's aggregate classification.

Genome Diagnostics Laboratory, University Medical Center Utrecht
Classification: Pathogenic. Review status: no assertion criteria provided. Collection method: clinical testing. Allele origin: germline. Affected: yes. Study: VKGL Data-share Consensus. Not counted in ClinVar's aggregate classification.

ISTH-SSC Genomics in Thrombosis and Hemostasis, KU Leuven, Center for Molecular and Vascular Biology
Classification: Pathogenic for Hereditary factor VIII deficiency disease. Review status: no assertion criteria provided. Collection method: research. Allele origin: unknown. Affected: yes. Not counted in ClinVar's aggregate classification.
Comment: Submitted to GoldVariant by Dr Karyn Mégy from NIHR Bioresource - Cambridge University, UK

Joint Genome Diagnostic Labs from Nijmegen and Maastricht, Radboudumc and MUMC+
Classification: Pathogenic. Review status: no assertion criteria provided. Collection method: clinical testing. Allele origin: germline. Affected: yes. Study: VKGL Data-share Consensus. Not counted in ClinVar's aggregate classification.

Literature cited by the submitters: PubMed 31064749 (cited by Women's Health and Genetics/Laboratory Corporation of America, LabCorp and NIHR Bioresource Rare Diseases, University of Cambridge); PubMed 18691168 (cited by Women's Health and Genetics/Laboratory Corporation of America, LabCorp); PubMed 1301932 (cited by Women's Health and Genetics/Laboratory Corporation of America, LabCorp and OMIM).

NM_000132.4(F8):c.541G>A (p.Val181Met)

Gene: F8 (coagulation factor VIII; minus strand). Cytogenetic location: Xq28.
Variant type: single nucleotide variant.
Coding change: c.541G>A on transcript NM_000132.4 (MANE Select); coding-DNA position 541, G replaced by A.
Protein change: p.Val181Met; replaces valine 181 with methionine.
Molecular consequence: missense variant.
Genome position (GRCh38, 1-based): chrX:154,992,996, C>T on the plus strand (G>A on the coding strand, the complement: F8 is on the minus strand). VCF-style: chrX-154992996-C-T. GRCh37 (hg19) VCF-style: chrX-154221271-C-T.
Other names: F8, VAL162MET; V162M; short protein forms V181M.
Identifiers: ClinVar variation 10177 (VCV000010177.11), dbSNP rs137852394, ClinGen allele CA255066.
Genomic context (GRCh38, chrX:154,992,996, plus strand): 5'-CTTCTCTACATACTAGTAGGGCTCCAATGAGGCCTGAATTCAAGTCTTTTACCAGGTCCA[C>T]ATGAGAAAGATATGAGTAGGTAAGGCACAGTGGGTCAGAGGCCATTGGACCATTCTCTTT-3'
Protein context (NP_000123.1, residues 171-191): LCLTYSYLSH[Val181Met]DLVKDLNSGL